The following is an entry in ClinVar:

NM_001082971.2(DDC):c.1202G>C (p.Cys401Ser)

Gene: DDC (dopa decarboxylase; minus strand). Cytogenetic location: 7p12.2.
Variant type: single nucleotide variant.
Coding change: c.1202G>C on transcript NM_001082971.2 (MANE Select); coding-DNA position 1202, G replaced by C.
Protein change: p.Cys401Ser; replaces cysteine 401 with serine.
Molecular consequence: missense variant.
Genome position (GRCh38, 1-based): chr7:50,467,254, C>G on the plus strand (G>C on the coding strand, the complement: DDC is on the minus strand). VCF-style: chr7-50467254-C-G. GRCh37 (hg19) VCF-style: chr7-50534952-C-G.
Other names: c.1202G>C, p.Cys401Ser (NM_000790.4); c.1088G>C, p.Cys363Ser (NM_001242886.2); c.1058G>C, p.Cys353Ser (NM_001242887.2); c.968G>C, p.Cys323Ser (NM_001242888.2); c.923G>C, p.Cys308Ser (NM_001242889.2); short protein forms C363S, C401S, C308S, C323S, C353S.
Identifiers: ClinVar variation 1943258 (VCV001943258.2), dbSNP rs932307101, ClinGen allele CA158223414.

ClinVar aggregate classification (germline): Uncertain significance (1 of 4 stars; one submission).

Conditions:
Deficiency of aromatic-L-amino-acid decarboxylase. Also called: Aromatic L-Amino Acid Decarboxylase Deficiency; Aromatic amino acid decarboxylase deficiency; AADC DEFICIENCY; DDC DEFICIENCY; DOPA DECARBOXYLASE DEFICIENCY. Identifiers: Orphanet 35708, MedGen C1291564, MONDO:0012084, OMIM 608643.

Allele frequency attached by ClinVar (database versions not stated): TOPMed 0.00001.
gnomAD v4.1: 13 of 1,614,194 alleles (0.00081%); highest among the groups gnomAD compares: Non-Finnish European, 0.00076%; no homozygotes.

Submission:

Labcorp Genetics (formerly Invitae), Labcorp
Classification: Uncertain significance for Deficiency of aromatic-L-amino-acid decarboxylase. Last evaluated: 2022-06-02. Review status: criteria provided, single submitter. Criteria: Invitae Variant Classification Sherloc (09022015). Collection method: clinical testing. Allele origin: germline.
Comment: This sequence change replaces cysteine, which is neutral and slightly polar, with serine, which is neutral and polar, at codon 401 of the DDC protein (p.Cys401Ser). This variant is not present in population databases (gnomAD no frequency). This variant has not been reported in the literature in individuals affected with DDC-related conditions. Algorithms developed to predict the effect of missense changes on protein structure and function are either unavailable or do not agree on the potential impact of this missense change (SIFT: "Deleterious"; PolyPhen-2: "Benign"; Align-GVGD: "Class C0"). In summary, the available evidence is currently insufficient to determine the role of this variant in disease. Therefore, it has been classified as a Variant of Uncertain Significance.